The following is an entry in ClinVar:

ClinVar aggregate classification (germline): Benign. Review status: criteria provided, multiple submitters, no conflicts (2 of 4 stars). 4 submissions from 4 submitters: Benign (4). Last evaluated 2026-02-01.

Conditions:
Age related macular degeneration 1 (ARMD1). Also called: MACULOPATHY, AGE-RELATED, 1. Identifiers: MedGen C1864205, MONDO:0011285, OMIM 603075.

Allele frequency attached by ClinVar (database versions not stated): gnomAD exomes 0.00368 and 0.00964; ExAC 0.01178; gnomAD 0.03761 and 0.04046; 1000 Genomes Project 0.04113; TOPMed 0.04240; ESP Exome Variant Server 0.04336; 1000 Genomes Project 30x 0.04372.
gnomAD v4.1: 11,294 of 1,612,986 alleles (0.7%); highest among the groups gnomAD compares: African/African-American, 13%; 656 homozygotes.

Submissions (4):

Labcorp Genetics (formerly Invitae), Labcorp
Classification: Benign. Last evaluated: 2026-02-01. Review status: criteria provided, single submitter. Criteria: Invitae Variant Classification Sherloc (09022015). Collection method: clinical testing. Allele origin: germline.

Genome-Nilou Lab
Classification: Benign for Age related macular degeneration 1. Last evaluated: 2023-04-11. Review status: criteria provided, single submitter. Criteria: ACMG Guidelines, 2015. Collection method: clinical testing. Allele origin: germline. Affected: no.

Illumina Laboratory Services, Illumina
Classification: Benign for Age related macular degeneration 1. Last evaluated: 2018-01-12. Review status: criteria provided, single submitter. Criteria: ICSL Variant Classification Criteria 13 December 2019. Collection method: clinical testing. Allele origin: germline.
Comment: This variant was observed in the ICSL laboratory as part of a predisposition screen in an ostensibly healthy population. It had not been previously curated by ICSL or reported in the Human Gene Mutation Database (HGMD: prior to June 1st, 2018), and was therefore a candidate for classification through an automated scoring system. Utilizing variant allele frequency, disease prevalence and penetrance estimates, and inheritance mode, an automated score was calculated to assess if this variant is too frequent to cause the disease. Based on the score and internal cut-off values, a variant classified as benign is not then subjected to further curation. The score for this variant resulted in a classification of benign for this disease.

Breakthrough Genomics
Classification: Benign. Review status: criteria provided, single submitter. Criteria: ACMG Guidelines, 2015. Collection method: not provided. Allele origin: germline. Inheritance: Autosomal dominant inheritance. Affected: yes.

NM_031935.3(HMCN1):c.9516A>T (p.Thr3172=)

Gene: HMCN1 (hemicentin 1; plus strand). Cytogenetic location: 1q31.1.
Variant type: single nucleotide variant.
Coding change: c.9516A>T on transcript NM_031935.3 (MANE Select); coding-DNA position 9516, A replaced by T.
Protein change: p.Thr3172=; no amino-acid change (threonine 3172 retained).
Molecular consequence: synonymous variant.
Genome position (GRCh38, 1-based): chr1:186,088,215, A>T. VCF-style: chr1-186088215-A-T. GRCh37 (hg19) VCF-style: chr1-186057347-A-T.
Identifiers: ClinVar variation 294211 (VCV000294211.14), dbSNP rs61745374, ClinGen allele CA1293452.